The following is an entry in ClinVar:

NM_031885.5(BBS2):c.534+10G>A

Gene: BBS2 (Bardet-Biedl syndrome 2; minus strand). Cytogenetic location: 16q13.
Variant type: single nucleotide variant.
Coding change: c.534+10G>A on transcript NM_031885.5 (MANE Select); 10 bases into the intron after coding-DNA position 534, G replaced by A.
Molecular consequence: intron variant.
Genome position (GRCh38, 1-based): chr16:56,510,849, C>T on the plus strand (G>A on the coding strand, the complement: BBS2 is on the minus strand). VCF-style: chr16-56510849-C-T. GRCh37 (hg19) VCF-style: chr16-56544761-C-T.
Other names: c.534+10G>A (NM_001377456.1, NM_031885.3).
Identifiers: ClinVar variation 1101226 (VCV001101226.10), dbSNP rs1207740034, ClinGen allele CA622312097.
Genomic context (GRCh38, chr16:56,510,849, plus strand): 5'-ACTAATGTCACTGTCATGGCAAAATTCATTTGGCTGAACACACAAGAGAGATATCTCCTC[C>T]CCCACATACCTCTTTCTTTCCATCACCATCAAAGTCACACAAGGCCAAGGAATTAACATT-3'

ClinVar aggregate classification (germline): Likely benign. Review status: criteria provided, multiple submitters, no conflicts (2 of 4 stars). 2 submissions from 2 submitters: Likely benign (2). Last evaluated 2026-09-08.

Conditions:
BBS2-related disorder. Also called: BBS2-related condition; BBS2-related disorders. Identifiers: MedGen CN239228.
Bardet-Biedl syndrome (BBS). Identifiers: Orphanet 110, MedGen C0752166, MONDO:0015229.

Allele frequency attached by ClinVar (database versions not stated): gnomAD exomes below 0.00001; TOPMed 0.00001.
gnomAD v4.1: 5 of 1,613,548 alleles (0.00031%); highest among the groups gnomAD compares: African/African-American, 0.004%; no homozygotes.

Submissions (2):

PreventionGenetics, part of Exact Sciences
Classification: Likely benign for BBS2-related condition. Last evaluated: 2026-09-08. Review status: criteria provided, single submitter. Criteria: ACMG Guidelines, 2015. Collection method: clinical testing. Allele origin: germline.
Comment: This variant is classified as likely benign based on ACMG/AMP sequence variant interpretation guidelines (Richards et al. 2015 PMID: 25741868, with internal and published modifications).

Labcorp Genetics (formerly Invitae), Labcorp
Classification: Likely benign for Bardet-Biedl syndrome. Last evaluated: 2025-12-06. Review status: criteria provided, single submitter. Criteria: Invitae Variant Classification Sherloc (09022015). Collection method: clinical testing. Allele origin: germline.